The following is an entry in ClinVar:

NM_001267550.2(TTN):c.67282G>T (p.Val22428Leu)

Genes: TTN (titin; minus strand), TTN-AS1 (TTN antisense RNA 1; plus strand). Cytogenetic location: 2q31.2.
Variant type: single nucleotide variant.
Coding change: c.67282G>T on transcript NM_001267550.2 (MANE Select); coding-DNA position 67282, G replaced by T.
Protein change: p.Val22428Leu; replaces valine 22428 with leucine.
Molecular consequence: missense variant.
Genome position (GRCh38, 1-based): chr2:178,580,005, C>A on the plus strand (G>T on the coding strand, the complement: TTN is on the minus strand). VCF-style: chr2-178580005-C-A. GRCh37 (hg19) VCF-style: chr2-179444732-C-A.
Other names: p.V20787L:GTG>TTG; c.62359G>T, p.Val20787Leu (NM_001256850.1); c.40087G>T, p.Val13363Leu (NM_003319.4); c.59578G>T, p.Val19860Leu (NM_133378.4); c.40462G>T, p.Val13488Leu (NM_133432.3); c.40663G>T, p.Val13555Leu (NM_133437.4); short protein forms V20787L, V22428L, V19860L, V13363L, V13488L, V13555L.
Identifiers: ClinVar variation 202808 (VCV000202808.6), dbSNP rs794729483, ClinGen allele CA310352.

ClinVar aggregate classification (germline): Conflicting classifications of pathogenicity. Review status: criteria provided, conflicting classifications (1 of 4 stars). 5 submissions from 5 submitters: Uncertain significance (2); Likely benign (2). 1 of the submissions does not count toward it. Last evaluated 2025-07-08.

Conditions:
TTN-related disorder. Also called: TTN-related condition; TTN-related disease; TTN-related disorders.
Cardiomyopathy (CMYO). Also called: Cardiomyopathies. Identifiers: Orphanet 167848, MedGen C0878544, MONDO:0004994, HP:0001638. Inheritance: Various modes of inheritance.

Allele frequency attached by ClinVar (database versions not stated): gnomAD exomes below 0.00001 and 0.00001; gnomAD 0.00001; TOPMed 0.00002.

Submissions (5):

PreventionGenetics, part of Exact Sciences
Classification: Uncertain significance for TTN-related condition. Last evaluated: 2025-07-08. Review status: criteria provided, single submitter. Criteria: ACMG Guidelines, 2015. Collection method: clinical testing. Allele origin: germline.
Comment: The TTN c.67282G>T variant is predicted to result in the amino acid substitution p.Val22428Leu. To our knowledge, this variant has not been reported in the literature. This variant is reported in 0.00089% of alleles in individuals of European (Non-Finnish) descent in gnomAD. At this time, the clinical significance of this variant is uncertain due to the absence of conclusive functional and genetic evidence.

Molecular Diagnostic Laboratory for Inherited Cardiovascular Disease, Montreal Heart Institute
Classification: Likely benign. Last evaluated: 2025-04-09. Review status: criteria provided, single submitter. Criteria: ACMG Guidelines, 2015. Collection method: clinical testing. Allele origin: germline. Affected: no.

Women's Health and Genetics/Laboratory Corporation of America, LabCorp
Classification: Uncertain significance. Last evaluated: 2024-05-17. Review status: criteria provided, single submitter. Criteria: LabCorp Variant Classification Summary - May 2015. Collection method: clinical testing. Allele origin: germline.
Comment: Variant summary: TTN c.59578G>T (p.Val19860Leu) results in a conservative amino acid change located in the A-band domain of the encoded protein sequence. Three of four in-silico tools predict a benign effect of the variant on protein function. The variant allele was found at a frequency of 4e-06 in 248352 control chromosomes. The available data on variant occurrences in the general population are insufficient to allow any conclusion about variant significance. To our knowledge, no occurrence of c.59578G>T in individuals affected with Limb-Girdle Muscular Dystrophy, Type 2J and no experimental evidence demonstrating its impact on protein function have been reported. ClinVar contains an entry for this variant (Variation ID: 202808). Based on the evidence outlined above, the variant was classified as uncertain significance.

CHEO Genetics Diagnostic Laboratory, Children's Hospital of Eastern Ontario
Classification: Likely benign for Cardiomyopathy. Last evaluated: 2021-12-29. Review status: criteria provided, single submitter. Criteria: ACMG Guidelines, 2015. Collection method: clinical testing. Allele origin: germline.

GeneDx
No classification provided. Last evaluated: 2013-01-15. Review status: no classification provided. Criteria: GeneDx Variant Classification (06012015). Collection method: clinical testing. Allele origin: germline. Affected: yes. Not counted in ClinVar's aggregate classification.
Comment: Missense variants in the TTN gene are considered 'unclassified' if they are not previously reported in the literature and do not have >1% frequency in the population to be considered a polymorphism. Research indicates that truncating mutations in the TTN gene are expected to account for approximately 25% of familial and 18% of sporadic idiopathic DCM; however, truncating variants in the TTN gene have been reported in approximately 3% of reported control alleles. There has been little investigation into non-truncating variants. (Herman D et al. Truncations of titin causing dilated cardiomyopathy. N Eng J Med 366:619-628, 2012) The variant is found in DCM panel(s).